The following is an entry in ClinVar:

NM_001377295.2(GNAT2):c.545C>T (p.Thr182Met)

Gene: GNAT2 (G protein subunit alpha transducin 2; minus strand). Cytogenetic location: 1p13.3.
Variant type: single nucleotide variant.
Coding change: c.545C>T on transcript NM_001377295.2 (MANE Select); coding-DNA position 545, C replaced by T.
Protein change: p.Thr182Met; replaces threonine 182 with methionine.
Molecular consequence: missense variant.
Genome position (GRCh38, 1-based): chr1:109,606,353, G>A on the plus strand (C>T on the coding strand, the complement: GNAT2 is on the minus strand). VCF-style: chr1-109606353-G-A. GRCh37 (hg19) VCF-style: chr1-110148975-G-A.
Other names: c.545C>T, p.Thr182Met (NM_001379232.1, NM_005272.5); c.545C>T (NM_005272.3); short protein forms T182M.
Identifiers: ClinVar variation 1474311 (VCV001474311.9), dbSNP rs746117122, ClinGen allele CA992396.

ClinVar aggregate classification (germline): Uncertain significance. Review status: criteria provided, multiple submitters, no conflicts (2 of 4 stars). 2 submissions from 2 submitters: Uncertain significance (2). Last evaluated 2023-10-14.

Conditions:
Inborn genetic diseases. Identifiers: MedGen C0950123, MeSH D030342.

Allele frequency attached by ClinVar (database versions not stated): TOPMed below 0.00001; ExAC 0.00001; gnomAD exomes 0.00002.
gnomAD v4.1: 67 of 1,612,452 alleles (0.0042%); highest among the groups gnomAD compares: Non-Finnish European, 0.0056%; no homozygotes.

Submissions (2):

Ambry Genetics
Classification: Uncertain significance for Inborn genetic diseases. Last evaluated: 2023-10-14. Review status: criteria provided, single submitter. Criteria: Ambry Variant Classification Scheme 2023. Collection method: clinical testing. Allele origin: germline.

Labcorp Genetics (formerly Invitae), Labcorp
Classification: Uncertain significance. Last evaluated: 2020-12-18. Review status: criteria provided, single submitter. Criteria: Invitae Variant Classification Sherloc (09022015). Collection method: clinical testing. Allele origin: germline.
Comment: This sequence change replaces threonine with methionine at codon 182 of the GNAT2 protein (p.Thr182Met). The threonine residue is highly conserved and there is a moderate physicochemical difference between threonine and methionine. This variant is present in population databases (rs746117122, ExAC 0.001%). This variant has not been reported in the literature in individuals with GNAT2-related conditions. Advanced modeling of protein sequence and biophysical properties (such as structural, functional, and spatial information, amino acid conservation, physicochemical variation, residue mobility, and thermodynamic stability) performed at Invitae indicates that this missense variant is expected to disrupt GNAT2 protein function. In summary, the available evidence is currently insufficient to determine the role of this variant in disease. Therefore, it has been classified as a Variant of Uncertain Significance.